The following is an entry in ClinVar:

NM_000348.4(SRD5A2):c.*66T>G

Gene: SRD5A2 (steroid 5 alpha-reductase 2; minus strand). Cytogenetic location: 2p23.1.
Variant type: single nucleotide variant.
Coding change: c.*66T>G on transcript NM_000348.4 (MANE Select); 66 bases downstream of the stop codon, T replaced by G.
Molecular consequence: 3 prime UTR variant.
Genome position (GRCh38, 1-based): chr2:31,526,130, A>C on the plus strand (T>G on the coding strand, the complement: SRD5A2 is on the minus strand). VCF-style: chr2-31526130-A-C. GRCh37 (hg19) VCF-style: chr2-31751200-A-C.
Identifiers: ClinVar variation 4820325 (VCV004820325.1).

ClinVar aggregate classification (germline): Pathogenic (0 of 4 stars; one submission).

Conditions:
3-Oxo-5 alpha-steroid delta 4-dehydrogenase deficiency (PPSH). Also called: PSEUDOVAGINAL PERINEOSCROTAL HYPOSPADIAS; FAMILIAL INCOMPLETE MALE PSEUDOHERMAPHRODITISM, TYPE 2; 46,XY disorder of sex development due to 5-alpha-reductase 2 deficiency; MALE PSEUDOHERMAPHRODITISM DUE TO 5-ALPHA-REDUCTASE DEFICIENCY. Identifiers: Orphanet 753, MedGen C0268297, MONDO:0009923, OMIM 264600. Disease mechanism: loss of function.

gnomAD v4.1: 1 of 991,164 alleles (0.0001%); highest among the groups gnomAD compares: East Asian, 0.0027%; no homozygotes.

Submission:

Sektion Paediatrische Endokrinologie und Diabetologie, Universität zu Lübeck
Classification: Pathogenic for 3-Oxo-5 alpha-steroid delta 4-dehydrogenase deficiency. Last evaluated: 2026-04-16. Review status: no assertion criteria provided. Collection method: research. Allele origin: biparental. Inheritance: Autosomal recessive inheritance. Affected: yes. Observed: 1 variant allele, 1 compound heterozygote.
Comment: The variant c.*66T>G introduces a new strong splice donor site 66 nt after the canonical stop codon that is spliced to an inverted Alu sequence located 15 kb downstream. In all paternal, but none of the maternal transcripts, we found a new exon junction 66 nt after the stop codon within the 3'-UTR. Mammalian transcripts with an intron excision site >55 nt downstream from a termination codon are subject to degradation by the nonsense-mediated decay (NMD) pathway. The SRD5A2 deficiency was proven by a reduced SRD5A2 activity from cell homogenates of genital skin fibroblasts as well as a steroid metabolome analysis of a 24h urinary specimen that revealed a subnormal excretion of C19 and C21 metabolites, reflecting the diagnosis of SRD5A2 deficiency.